The following is an entry in ClinVar:

ClinVar aggregate classification (germline): Likely benign. Review status: criteria provided, single submitter (1 of 4 stars). 2 submissions from 2 submitters: Likely benign (1). 1 of the submissions does not count toward it. Last evaluated 2018-03-29.

Conditions:
PTF1A-related disorder. Also called: PTF1A-related condition.

Allele frequency attached by ClinVar (database versions not stated): TOPMed 0.00003.
gnomAD v4.1: 9 of 1,262,910 alleles (0.00071%); highest among the groups gnomAD compares: Admixed American, 0.017%; no homozygotes.

Submissions (2):

Labcorp Genetics (formerly Invitae), Labcorp
Classification: Likely benign. Last evaluated: 2018-03-29. Review status: criteria provided, single submitter. Criteria: Invitae Variant Classification Sherloc (09022015). Collection method: clinical testing. Allele origin: germline.

PreventionGenetics, part of Exact Sciences
Classification: Likely benign for PTF1A-related condition. Last evaluated: 2019-08-15. Review status: no assertion criteria provided. Collection method: clinical testing. Allele origin: germline. Not counted in ClinVar's aggregate classification.
Comment: This variant is classified as likely benign based on ACMG/AMP sequence variant interpretation guidelines (Richards et al. 2015 PMID: 25741868, with internal and published modifications).

NM_178161.3(PTF1A):c.705G>C (p.Gly235=)

Gene: PTF1A (pancreas associated transcription factor 1a; plus strand). Cytogenetic location: 10p12.2.
Variant type: single nucleotide variant.
Coding change: c.705G>C on transcript NM_178161.3 (MANE Select); coding-DNA position 705, G replaced by C.
Protein change: p.Gly235=; no amino-acid change (glycine 235 retained).
Molecular consequence: synonymous variant.
Genome position (GRCh38, 1-based): chr10:23,193,235, G>C. VCF-style: chr10-23193235-G-C. GRCh37 (hg19) VCF-style: chr10-23482164-G-C.
Identifiers: ClinVar variation 737643 (VCV000737643.5), dbSNP rs755927793, ClinGen allele CA468663824.
Genomic context (GRCh38, chr10:23,193,235, plus strand): 5'-CAGCGAGCTCGTGCAGGCCGACCTGCCCTTGCGCGGCGGTGGCGCGGGCGGCTGCGGGGG[G>C]CCGGGCGGCGGCGGGCGCCTGGGCGGGGACAGCCCGGGCAGCCAGGCCCAGAAGGTCATC-3'
Protein context (NP_835455.1, residues 225-245): LRGGGAGGCG[Gly235=]PGGGGRLGGD